The following is an entry in ClinVar:

NM_006158.5(NEFL):c.677T>C (p.Val226Ala)

Gene: NEFL (neurofilament light chain; minus strand). Cytogenetic location: 8p21.2.
Variant type: single nucleotide variant.
Coding change: c.677T>C on transcript NM_006158.5 (MANE Select); coding-DNA position 677, T replaced by C.
Protein change: p.Val226Ala; replaces valine 226 with alanine.
Molecular consequence: missense variant.
Genome position (GRCh38, 1-based): chr8:24,955,839, A>G on the plus strand (T>C on the coding strand, the complement: NEFL is on the minus strand). VCF-style: chr8-24955839-A-G. GRCh37 (hg19) VCF-style: chr8-24813353-A-G.
Other names: short protein forms V226A.
Identifiers: ClinVar variation 644036 (VCV000644036.7), dbSNP rs1586128391, ClinGen allele CA370621872.

ClinVar aggregate classification (germline): Uncertain significance (1 of 4 stars; one submission).

Conditions:
Charcot-Marie-Tooth disease type 2E (CMT2E). Also called: CHARCOT-MARIE-TOOTH DISEASE, AXONAL, TYPE 2E; CHARCOT-MARIE-TOOTH NEUROPATHY, TYPE 2E. Identifiers: Orphanet 99939, MedGen C1843225, MONDO:0011894, OMIM 607684.

Allele frequency attached by ClinVar (database versions not stated): gnomAD exomes below 0.00001; TOPMed 0.00001; gnomAD 0.00003 and 0.00004.
gnomAD v4.1: 6 of 1,610,758 alleles (0.00037%); highest among the groups gnomAD compares: Admixed American, 0.0083%; no homozygotes.

Submission:

Labcorp Genetics (formerly Invitae), Labcorp
Classification: Uncertain significance for Charcot-Marie-Tooth disease type 2E. Last evaluated: 2024-09-30. Review status: criteria provided, single submitter. Criteria: Invitae Variant Classification Sherloc (09022015). Collection method: clinical testing. Allele origin: germline.
Comment: This sequence change replaces valine, which is neutral and non-polar, with alanine, which is neutral and non-polar, at codon 226 of the NEFL protein (p.Val226Ala). This variant is not present in population databases (gnomAD no frequency). This variant has not been reported in the literature in individuals affected with NEFL-related conditions. ClinVar contains an entry for this variant (Variation ID: 644036). Invitae Evidence Modeling of protein sequence and biophysical properties (such as structural, functional, and spatial information, amino acid conservation, physicochemical variation, residue mobility, and thermodynamic stability) indicates that this missense variant is not expected to disrupt NEFL protein function with a negative predictive value of 80%. In summary, the available evidence is currently insufficient to determine the role of this variant in disease. Therefore, it has been classified as a Variant of Uncertain Significance.